The following is an entry in ClinVar:

NM_015076.5(CDK19):c.594G>C (p.Trp198Cys)

Gene: CDK19 (cyclin dependent kinase 19; minus strand). Cytogenetic location: 6q21.
Variant type: single nucleotide variant.
Coding change: c.594G>C on transcript NM_015076.5 (MANE Select); coding-DNA position 594, G replaced by C.
Protein change: p.Trp198Cys; replaces tryptophan 198 with cysteine.
Molecular consequence: missense variant. On other transcripts: intron variant (1).
Genome position (GRCh38, 1-based): chr6:110,632,082, C>G on the plus strand (G>C on the coding strand, the complement: CDK19 is on the minus strand). VCF-style: chr6-110632082-C-G. GRCh37 (hg19) VCF-style: chr6-110953285-C-G.
Other names: c.414G>C, p.Trp138Cys (NM_001300963.2, NM_001300964.2); c.515-4937G>C (NM_001300960.2); short protein forms W138C, W198C.
Identifiers: ClinVar variation 975818 (VCV000975818.4), dbSNP rs1779473213, ClinGen allele CA365357484.
Genomic context (GRCh38, chr6:110,632,082, plus strand): 5'-CAACTTACCAATGGCCTTTGTATAATGCCTTGCACCAAGCAAAAGTTCTGGAGCCCGATA[C>G]CAAAATGTCACAACTACTGGATCCAAATCTGCTAGTGGCTTTAGAGGAGAATTGAATAAT-3'
Protein context (NP_055891.1, residues 188-208): ADLDPVVVTF[Trp198Cys]YRAPELLLGA

ClinVar aggregate classification (germline): Uncertain significance. Review status: criteria provided, multiple submitters, no conflicts (2 of 4 stars). 3 submissions from 3 submitters: Uncertain significance (2). 1 of the submissions does not count toward it. Last evaluated 2021-12-16.

Conditions:
Developmental and epileptic encephalopathy, 87. Also called: EPILEPTIC ENCEPHALOPATHY, EARLY INFANTILE, 87. Identifiers: MedGen C5394501, MONDO:0030059, OMIM 618916.

Submissions (3):

Fulgent Genetics
Classification: Uncertain significance for Developmental and epileptic encephalopathy, 87. Last evaluated: 2021-12-16. Review status: criteria provided, single submitter. Criteria: ACMG Guidelines, 2015. Collection method: clinical testing. Allele origin: unknown.

Institute of Human Genetics, University of Leipzig Medical Center
Classification: Uncertain significance for Developmental and epileptic encephalopathy, 87. Last evaluated: 2019-01-01. Review status: criteria provided, single submitter. Criteria: ACMG Guidelines, 2015. Collection method: clinical testing. Allele origin: unknown. Affected: yes.

Zarate Arkansas Children's Genetics Clinic, Arkansas Children's Hospital
Classification: Likely pathogenic for Developmental and epileptic encephalopathy, 87. Last evaluated: 2020-08-11. Review status: no assertion criteria provided. Collection method: clinical testing. Allele origin: de novo. Affected: yes. Observed: 1 variant allele. Not counted in ClinVar's aggregate classification.
Comment: De novo variant, in conserved residue, absent in population databases, located in functional domain with other variants